The following is an entry in ClinVar:

NM_001382273.1(TNK2):c.1957G>A (p.Val653Met)

Gene: TNK2 (tyrosine kinase non receptor 2; minus strand). Cytogenetic location: 3q29.
Variant type: single nucleotide variant.
Coding change: c.1957G>A on transcript NM_001382273.1 (MANE Select); coding-DNA position 1957, G replaced by A.
Protein change: p.Val653Met; replaces valine 653 with methionine.
Molecular consequence: missense variant. On other transcripts: non-coding transcript variant (15).
Genome position (GRCh38, 1-based): chr3:195,868,341, C>T on the plus strand (G>A on the coding strand, the complement: TNK2 is on the minus strand). VCF-style: chr3-195868341-C-T. GRCh37 (hg19) VCF-style: chr3-195595212-C-T.
Other names: V716M; c.2029G>A, p.Val677Met (NM_001010938.2, NM_001382272.1); c.2008G>A, p.Val670Met (NM_001308046.2, NM_001382271.1); c.1957G>A, p.Val653Met (NM_001382274.1, NM_001387716.1, NM_001387717.1 and 1 more transcripts); c.2053G>A, p.Val685Met (NM_001382275.1, NM_001387707.1); c.1912G>A, p.Val638Met (NM_001386164.1, NM_001387709.1, NM_001387710.1 and 8 more transcripts); c.1984G>A, p.Val662Met (NM_001387708.1, NM_001387715.1); short protein forms V638M, V677M, V670M, V653M, V662M, V685M.
Identifiers: ClinVar variation 88849 (VCV000088849.10), dbSNP rs201407161, ClinGen allele CA145365.

ClinVar aggregate classification (germline): Conflicting classifications of pathogenicity. Review status: criteria provided, conflicting classifications (1 of 4 stars). 5 submissions from 5 submitters: Uncertain significance (1); Likely benign (2). 2 of the submissions do not count toward it. Last evaluated 2025-12-17.

Conditions:
TNK2-related disorder. Also called: TNK2-related condition.
Autosomal recessive infantile epilepsy. Identifiers: MedGen CN183915.
Parkinson disease (PD). Identifiers: MedGen C0030567, MeSH D010300, MONDO:0005180.
Infantile epilepsy. Identifiers: MedGen CN228296.

Allele frequency attached by ClinVar (database versions not stated): TOPMed 0.00095; 1000 Genomes Project 30x 0.00250; 1000 Genomes Project 0.00260; ESP Exome Variant Server 0.00063.
gnomAD v4.1: 2,790 of 1,601,154 alleles (0.17%); highest among the groups gnomAD compares: South Asian, 1.3%; 25 homozygotes.

Submissions (5):

Labcorp Genetics (formerly Invitae), Labcorp
Classification: Likely benign. Last evaluated: 2025-12-17. Review status: criteria provided, single submitter. Criteria: Invitae Variant Classification Sherloc (09022015). Collection method: clinical testing. Allele origin: germline.

Lupski Lab, Baylor-Hopkins CMG, Baylor College of Medicine
Classification: Uncertain significance for Parkinson disease. Last evaluated: 2016-01-01. Review status: criteria provided, single submitter. Criteria: Farlow et al. (JAMA Neurol 2016). Collection method: research. Allele origin: germline. Inheritance: Autosomal dominant inheritance. Affected: yes. Observed: 2 variant alleles, 2 heterozygotes.

Broad Center for Mendelian Genomics, Broad Institute of MIT and Harvard
Classification: Likely benign for Infantile epilepsy. Review status: criteria provided, single submitter. Criteria: ACMG Guidelines, 2015. Collection method: research. Allele origin: germline. Inheritance: Autosomal recessive inheritance. Affected: yes.
Comment: The homozygous p.Val716Met variant in TNK2 has been identified in 3 Belgian and Italian siblings from 1 family with infantile-onset epilepsy (PMID: 23686771), and has been identified in >1% of South Asian chromosomes and 2 homozygotes by ExAC. Furthermore, this is the first report of pathogenicity for a variant in this gene. In vitro functional studies provide some evidence that the p.Val716Met variant may slightly impact protein function (PMID: 23686771). However, these types of assays may not accurately represent biological function. In summary, although additional studies are required to fully establish its clinical significance, this variant meets criteria to be classified as likely benign for autosomal recessive infantile-onset epilepsy.

PreventionGenetics, part of Exact Sciences
Classification: Likely benign for TNK2-related condition. Last evaluated: 2021-11-15. Review status: no assertion criteria provided. Collection method: clinical testing. Allele origin: germline. Not counted in ClinVar's aggregate classification.
Comment: This variant is classified as likely benign based on ACMG/AMP sequence variant interpretation guidelines (Richards et al. 2015 PMID: 25741868, with internal and published modifications).

OMIM
Classification: Uncertain significance for VARIANT OF UNKNOWN SIGNIFICANCE. Last evaluated: 2013-09-01. Review status: no assertion criteria provided. Collection method: literature only. Allele origin: germline. Not counted in ClinVar's aggregate classification.

Literature cited by the submitters: PubMed 23686771 (cited by Broad Center for Mendelian Genomics, Broad Institute of MIT and Harvard and OMIM).